The following is an entry in ClinVar:

NM_000059.4(BRCA2):c.721A>T (p.Lys241Ter)

Gene: BRCA2 (BRCA2 DNA repair associated; plus strand). Cytogenetic location: 13q13.1.
Variant type: single nucleotide variant.
Coding change: c.721A>T on transcript NM_000059.4 (MANE Select); coding-DNA position 721, A replaced by T.
Protein change: p.Lys241Ter; replaces lysine 241 with a stop codon.
Molecular consequence: nonsense.
Genome position (GRCh38, 1-based): chr13:32,330,958, A>T. VCF-style: chr13-32330958-A-T. GRCh37 (hg19) VCF-style: chr13-32905095-A-T.
Other names: short protein forms K241*.
Identifiers: ClinVar variation 231337 (VCV000231337.22), dbSNP rs876659100, ClinGen allele CA10579470.
Genomic context (GRCh38, chr13:32,330,958, plus strand): 5'-TTTAAACTATAATTTTTGCAGAATGTGAAAAGCTATTTTTCCAATCATGATGAAAGTCTG[A>T]AGAAAAATGATAGATTTATCGCTTCTGTGACAGACAGTGAAAACACAAATCAAAGAGAAG-3'

ClinVar aggregate classification (germline): Pathogenic. Review status: reviewed by expert panel (3 of 4 stars). 7 submissions from 7 submitters: Pathogenic (1). 6 of the submissions do not count toward it. Last evaluated 2016-09-08.

Conditions:
Hereditary cancer-predisposing syndrome. Also called: Hereditary Cancer Syndrome; Neoplastic Syndromes, Hereditary; Tumor predisposition; Hereditary neoplastic syndrome. Identifiers: Orphanet 140162, MedGen C0027672, MeSH D009386, MONDO:0015356.
Breast-ovarian cancer, familial, susceptibility to, 2 (BROVCA2). Also called: BRCA2 Hereditary Breast and Ovarian Cancer. Identifiers: Orphanet 145, MedGen C2675520, MONDO:0012933, OMIM 612555. Disease mechanism: loss of function.
Hereditary breast ovarian cancer syndrome. Also called: Hereditary breast and/or ovarian cancer syndrome; BRCA1- and BRCA2-Associated Hereditary Breast and Ovarian Cancer; Hereditary breast and ovarian cancer syndrome (HBOC); Hereditary breast and ovarian cancer; Hereditary breast and ovarian cancer syndrome; Breast and ovarian cancer. Identifiers: Orphanet 145, MedGen C0677776, MeSH D061325, MONDO:0003582. Disease mechanism: loss of function.

Submissions (7):

Evidence-based Network for the Interpretation of Germline Mutant Alleles (ENIGMA)
Classification: Pathogenic for Breast-ovarian cancer, familial, susceptibility to, 2. Last evaluated: 2016-09-08. Review status: reviewed by expert panel. Criteria: ENIGMA BRCA1/2 Classification Criteria (2015). Collection method: curation. Allele origin: germline.
Comment: Variant allele predicted to encode a truncated non-functional protein.

Labcorp Genetics (formerly Invitae), Labcorp
Classification: Pathogenic for Hereditary breast ovarian cancer syndrome. Last evaluated: 2025-03-19. Review status: criteria provided, single submitter. Criteria: Invitae Variant Classification Sherloc (09022015). Collection method: clinical testing. Allele origin: germline. Not counted in ClinVar's aggregate classification.
Comment: This sequence change creates a premature translational stop signal (p.Lys241*) in the BRCA2 gene. It is expected to result in an absent or disrupted protein product. Loss-of-function variants in BRCA2 are known to be pathogenic (PMID: 20104584). This variant is not present in population databases (gnomAD no frequency). This premature translational stop signal has been observed in individual(s) with breast cancer (PMID: 32862574). ClinVar contains an entry for this variant (Variation ID: 231337). RNA analysis performed to evaluate the impact of this premature translational stop signal on mRNA splicing indicates it does not significantly alter splicing (internal data). For these reasons, this variant has been classified as Pathogenic.

Center for Genomic Medicine, Rigshospitalet, Copenhagen University Hospital
Classification: Pathogenic. Last evaluated: 2025-03-04. Review status: criteria provided, single submitter. Criteria: ACMG Guidelines, 2015. Collection method: clinical testing. Allele origin: germline. Not counted in ClinVar's aggregate classification.

Ambry Genetics
Classification: Pathogenic for Hereditary cancer-predisposing syndrome. Last evaluated: 2025-01-28. Review status: criteria provided, single submitter. Criteria: Ambry Variant Classification Scheme 2023. Collection method: clinical testing. Allele origin: germline. Not counted in ClinVar's aggregate classification.
Comment: The p.K241* pathogenic mutation (also known as c.721A>T), located in coding exon 8 of the BRCA2 gene, results from an A to T substitution at nucleotide position 721. This changes the amino acid from a lysine to a stop codon within coding exon 8. This variant is considered to be rare based on population cohorts in the Genome Aggregation Database (gnomAD). This alteration is expected to result in loss of function by premature protein truncation or nonsense-mediated mRNA decay. As such, this alteration is interpreted as a disease-causing mutation.

Color Diagnostics, LLC DBA Color Health
Classification: Pathogenic for Hereditary cancer-predisposing syndrome. Last evaluated: 2024-04-16. Review status: criteria provided, single submitter. Criteria: ACMG Guidelines, 2015. Collection method: clinical testing. Allele origin: germline. Not counted in ClinVar's aggregate classification.
Comment: This variant changes 1 nucleotide in exon 9 of the BRCA2 gene, creating a premature translation stop signal. This variant is expected to result in an absent or non-functional protein product. This variant has been reported in individuals with a personal or family history of breast and/or ovarian cancer (PMID: 32862574, 3378028, 34284872). This variant has not been identified in the general population by the Genome Aggregation Database (gnomAD). Loss of BRCA2 function is a known mechanism of disease. Based on the available evidence, this variant is classified as Pathogenic.

Clinical Genetics Laboratory, Skane University Hospital Lund
Classification: Pathogenic. Last evaluated: 2024-02-02. Review status: criteria provided, single submitter. Criteria: ACMG Guidelines, 2015. Collection method: clinical testing. Allele origin: germline. Affected: yes. Not counted in ClinVar's aggregate classification.

Women's Health and Genetics/Laboratory Corporation of America, LabCorp
Classification: Pathogenic for Hereditary breast ovarian cancer syndrome. Last evaluated: 2022-05-31. Review status: criteria provided, single submitter. Criteria: LabCorp Variant Classification Summary - May 2015. Collection method: clinical testing. Allele origin: germline. Not counted in ClinVar's aggregate classification.
Comment: Variant summary: BRCA2 c.721A>T (p.Lys241X) results in a premature termination codon, predicted to cause a truncation of the encoded protein or absence of the protein due to nonsense mediated decay, which are commonly known mechanisms for disease. Truncations downstream of this position have been classified as pathogenic by our laboratory. The variant was absent in 250512 control chromosomes. c.721A>T has been reported in the literature in individuals with a personal and/or family history of high risk breast/ovarian cancer (example Demir_2020, Fasching_2021, Krivokuca_2022). These reports support an association of the variant with Hereditary Breast And Ovarian Cancer Syndrome. Three clinical diagnostic laboratories and an expert panel have submitted clinical-significance assessments for this variant to ClinVar after 2014 without evidence for independent evaluation. All classified the variant as pathogenic. Based on the evidence outlined above, the variant was classified as pathogenic.

Literature cited by the submitters: PubMed 20104584 (cited by Labcorp Genetics (formerly Invitae), Labcorp); PubMed 32862574 (cited by 3 submitters); PubMed 34284872 (cited by 3 submitters); PubMed 3378028 (cited by Color Diagnostics, LLC DBA Color Health); PubMed 33780288 (cited by Women's Health and Genetics/Laboratory Corporation of America, LabCorp).